The following is an entry in ClinVar:

NM_130837.3(OPA1):c.1557C>T (p.Phe519=)

Gene: OPA1 (OPA1 mitochondrial dynamin like GTPase; plus strand). Cytogenetic location: 3q29.
Variant type: single nucleotide variant.
Coding change: c.1557C>T on transcript NM_130837.3 (MANE Select); coding-DNA position 1557, C replaced by T.
Protein change: p.Phe519=; no amino-acid change (phenylalanine 519 retained).
Molecular consequence: synonymous variant.
Genome position (GRCh38, 1-based): chr3:193,644,054, C>T. VCF-style: chr3-193644054-C-T. GRCh37 (hg19) VCF-style: chr3-193361843-C-T.
Other names: c.1557C>T (NM_130837.2); c.1023C>T, p.Phe341= (NM_001354663.2); c.1020C>T, p.Phe340= (NM_001354664.2); c.1392C>T, p.Phe464= (NM_015560.3); c.1284C>T, p.Phe428= (NM_130831.3); c.1338C>T, p.Phe446= (NM_130832.3); c.1395C>T, p.Phe465= (NM_130833.3); c.1446C>T, p.Phe482= (NM_130834.3); and 2 more.
Identifiers: ClinVar variation 1665515 (VCV001665515.10), dbSNP rs779207157, ClinGen allele CA2759409.

ClinVar aggregate classification (germline): Likely benign. Review status: criteria provided, single submitter (1 of 4 stars). 2 submissions from 2 submitters: Likely benign (1). 1 of the submissions does not count toward it. Last evaluated 2024-12-24.

Conditions:
OPA1-related disorder. Also called: OPA1-related condition; OPA1-related disorders.

Allele frequency attached by ClinVar (database versions not stated): ExAC 0.00002; gnomAD 0.00002 and 0.00003; TOPMed 0.00002; gnomAD exomes 0.00004.
gnomAD v4.1: 18 of 1,613,562 alleles (0.0011%); highest among the groups gnomAD compares: Middle Eastern, 0.016%; no homozygotes.

Submissions (2):

Labcorp Genetics (formerly Invitae), Labcorp
Classification: Likely benign. Last evaluated: 2024-12-24. Review status: criteria provided, single submitter. Criteria: Invitae Variant Classification Sherloc (09022015). Collection method: clinical testing. Allele origin: germline.

PreventionGenetics, part of Exact Sciences
Classification: Likely benign for OPA1-related condition. Last evaluated: 2020-05-22. Review status: no assertion criteria provided. Collection method: clinical testing. Allele origin: germline. Not counted in ClinVar's aggregate classification.
Comment: This variant is classified as likely benign based on ACMG/AMP sequence variant interpretation guidelines (Richards et al. 2015 PMID: 25741868, with internal and published modifications).